The following is an entry in ClinVar:

NM_016203.4(PRKAG2):c.187-13T>C

Gene: PRKAG2 (protein kinase AMP-activated non-catalytic subunit gamma 2; minus strand). Cytogenetic location: 7q36.1.
Variant type: single nucleotide variant.
Coding change: c.187-13T>C on transcript NM_016203.4 (MANE Select); 13 bases into the intron before coding-DNA position 187, T replaced by C.
Molecular consequence: intron variant.
Genome position (GRCh38, 1-based): chr7:151,781,444, A>G on the plus strand (T>C on the coding strand, the complement: PRKAG2 is on the minus strand). VCF-style: chr7-151781444-A-G. GRCh37 (hg19) VCF-style: chr7-151478530-A-G.
Other names: c.187-13T>C (NM_001407031.1, NM_001407030.1, NM_001407023.1 and 2 more transcripts); c.148+32972T>C (NM_001407032.1); c.55-13T>C (NM_001407026.1, NM_001040633.2, NM_001407033.1 and 2 more transcripts).
Identifiers: ClinVar variation 3072956 (VCV003072956.1), dbSNP rs1189948552, ClinGen allele CA579078137.

ClinVar aggregate classification (germline): Likely benign (1 of 4 stars; one submission).

Conditions:
Hypertrophic cardiomyopathy. Also called: HYPERTROPHIC MYOCARDIOPATHY. Identifiers: Orphanet 217569, MedGen C0007194, MeSH D002312, MONDO:0005045, HP:0001639.

Allele frequency attached by ClinVar (database versions not stated): gnomAD exomes 0.00001.
gnomAD v4.1: 4 of 1,596,920 alleles (0.00025%); highest among the groups gnomAD compares: East Asian, 0.009%; no homozygotes.

Submission:

All of Us Research Program, National Institutes of Health
Classification: Likely benign for Hypertrophic cardiomyopathy. Last evaluated: 2023-08-15. Review status: criteria provided, single submitter. Criteria: ACMG Guidelines, 2015. Collection method: clinical testing. Allele origin: germline. Inheritance: Autosomal dominant inheritance. Observed: 1 variant allele, 1 heterozygote.
Comment: This study involves interpretation of variants in research participants for the purpose of population health screening. Participant phenotype was not available at the time of variant classification. Additional details can be found in publication PMID: 35346344, PMCID: PMC8962531